The following is an entry in ClinVar:

ClinVar aggregate classification (germline): Pathogenic (1 of 4 stars; one submission).

gnomAD v4.1: 31 of 1,501,242 alleles (0.0021%); highest among the groups gnomAD compares: Non-Finnish European, 0.0028%; no homozygotes.

Submission:

Labcorp Genetics (formerly Invitae), Labcorp
Classification: Pathogenic. Last evaluated: 2026-01-12. Review status: criteria provided, single submitter. Criteria: Invitae Variant Classification Sherloc (09022015). Collection method: clinical testing. Allele origin: germline.
Comment: This sequence change falls in intron 46 of the POLE gene. It does not directly change the encoded amino acid sequence of the POLE protein. RNA analysis indicates that this variant induces altered splicing and may result in an absent or altered protein product. This variant is not present in population databases (gnomAD no frequency). This variant has not been reported in the literature in individuals affected with POLE-related conditions. Studies have shown that this variant results in activation of a cryptic splice site, and produces a non-functional protein and/or introduces a premature termination codon (internal data). For these reasons, this variant has been classified as Pathogenic.

NM_006231.4(POLE):c.6532-95C>T

Gene: POLE (DNA polymerase epsilon, catalytic subunit; minus strand). Cytogenetic location: 12q24.33.
Variant type: single nucleotide variant.
Coding change: c.6532-95C>T on transcript NM_006231.4 (MANE Select); 95 bases into the intron before coding-DNA position 6532, C replaced by T.
Molecular consequence: intron variant.
Genome position (GRCh38, 1-based): chr12:132,625,865, G>A on the plus strand (C>T on the coding strand, the complement: POLE is on the minus strand). VCF-style: chr12-132625865-G-A. GRCh37 (hg19) VCF-style: chr12-133202451-G-A.
Identifiers: ClinVar variation 4754313 (VCV004754313.1).